The following is an entry in ClinVar:

ClinVar aggregate classification (germline): Uncertain significance. Review status: criteria provided, single submitter (1 of 4 stars). 2 submissions from 2 submitters: Uncertain significance (1). 1 of the submissions does not count toward it. Last evaluated 2024-09-06.

Conditions:
Glycogen storage disease type III (GSD3). Also called: FORBES DISEASE; Cori disease. Identifiers: Orphanet 366, MedGen C0017922, MONDO:0009291, OMIM 232400.

Allele frequency attached by ClinVar (database versions not stated): gnomAD exomes below 0.00001; TOPMed below 0.00001; gnomAD 0.00001.
gnomAD v4.1: 7 of 1,613,834 alleles (0.00043%); highest among the groups gnomAD compares: Non-Finnish European, 0.00059%; no homozygotes.

Submissions (2):

Labcorp Genetics (formerly Invitae), Labcorp
Classification: Uncertain significance for Glycogen storage disease type III. Last evaluated: 2024-09-06. Review status: criteria provided, single submitter. Criteria: Invitae Variant Classification Sherloc (09022015). Collection method: clinical testing. Allele origin: germline.
Comment: This sequence change replaces serine, which is neutral and polar, with cysteine, which is neutral and slightly polar, at codon 648 of the AGL protein (p.Ser648Cys). This variant is present in population databases (no rsID available, gnomAD 0.0009%). This variant has not been reported in the literature in individuals affected with AGL-related conditions. ClinVar contains an entry for this variant (Variation ID: 456464). Invitae Evidence Modeling of protein sequence and biophysical properties (such as structural, functional, and spatial information, amino acid conservation, physicochemical variation, residue mobility, and thermodynamic stability) indicates that this missense variant is not expected to disrupt AGL protein function with a negative predictive value of 80%. In summary, the available evidence is currently insufficient to determine the role of this variant in disease. Therefore, it has been classified as a Variant of Uncertain Significance.

Natera, Inc.
Classification: Uncertain significance for Glycogen storage disease type III. Last evaluated: 2020-09-21. Review status: no assertion criteria provided. Collection method: clinical testing. Allele origin: germline. Not counted in ClinVar's aggregate classification.

NM_000642.3(AGL):c.1943C>G (p.Ser648Cys)

Gene: AGL (amylo-alpha-1,6-glucosidase and 4-alpha-glucanotransferase; plus strand). Cytogenetic location: 1p21.2.
Variant type: single nucleotide variant.
Coding change: c.1943C>G on transcript NM_000642.3 (MANE Select); coding-DNA position 1943, C replaced by G.
Protein change: p.Ser648Cys; replaces serine 648 with cysteine.
Molecular consequence: missense variant.
Genome position (GRCh38, 1-based): chr1:99,881,119, C>G. VCF-style: chr1-99881119-C-G. GRCh37 (hg19) VCF-style: chr1-100346675-C-G.
Other names: c.1943C>G, p.Ser648Cys (NM_000028.3, NM_000643.3, NM_000644.3 and 2 more transcripts); c.1895C>G, p.Ser632Cys (NM_000646.3); c.1742C>G, p.Ser581Cys (NM_001425327.1); c.1739C>G, p.Ser580Cys (NM_001425328.1, NM_001425329.1); c.1565C>G, p.Ser522Cys (NM_001425332.1); short protein forms S648C, S632C, S522C, S580C, S581C.
Identifiers: ClinVar variation 456464 (VCV000456464.8), dbSNP rs1229397880, ClinGen allele CA341318015.